The following is an entry in ClinVar:

ClinVar aggregate classification (germline): Uncertain significance (1 of 4 stars; one submission).

Conditions:
Intellectual developmental disorder, autosomal recessive 7. Also called: Intellectual disability, autosomal recessive 7. Identifiers: Orphanet 88616, MedGen C1970197, MONDO:0012615, OMIM 611093.

Submission:

Labcorp Genetics (formerly Invitae), Labcorp
Classification: Uncertain significance for Intellectual developmental disorder, autosomal recessive 7. Last evaluated: 2020-10-07. Review status: criteria provided, single submitter. Criteria: Invitae Variant Classification Sherloc (09022015). Collection method: clinical testing. Allele origin: germline.
Comment: In summary, the available evidence is currently insufficient to determine the role of this variant in disease. Therefore, it has been classified as a Variant of Uncertain Significance. Experimental studies and prediction algorithms are not available or were not evaluated, and the functional significance of this variant is currently unknown. This variant has not been reported in the literature in individuals with TUSC3-related conditions. This variant is a gross deletion of the genomic region encompassing exon(s) 7-10 of the TUSC3 gene. The 5' boundary is likely confined to intron 6. The 3' end of this event is unknown as it extends through the termination codon beyond the assayed region for this gene and may encompass additional genes. While this deletion is not anticipated to result in nonsense mediated decay, it is expected to create a truncated protein product or disrupt mRNA translation.

NC_000008.10:g.(?_15588155)_(15615318_?)del

Gene: TUSC3 (tumor suppressor candidate 3; plus strand). Cytogenetic location: 8p22.
Variant type: Deletion.
Identifiers: ClinVar variation 1062649 (VCV001062649.8).